The following is an entry in ClinVar:

NM_133497.4(KCNV2):c.148A>C (p.Asn50His)

Gene: KCNV2 (potassium voltage-gated channel modifier subfamily V member 2; plus strand). Cytogenetic location: 9p24.2.
Variant type: single nucleotide variant.
Coding change: c.148A>C on transcript NM_133497.4 (MANE Select); coding-DNA position 148, A replaced by C.
Protein change: p.Asn50His; replaces asparagine 50 with histidine.
Molecular consequence: missense variant.
Genome position (GRCh38, 1-based): chr9:2,717,887, A>C. VCF-style: chr9-2717887-A-C. GRCh37 (hg19) VCF-style: chr9-2717887-A-C.
Other names: short protein forms N50H.
Identifiers: ClinVar variation 441136 (VCV000441136.10), dbSNP rs757537568, ClinGen allele CA187970382.

ClinVar aggregate classification (germline): Uncertain significance. Review status: criteria provided, multiple submitters, no conflicts (2 of 4 stars). 2 submissions from 2 submitters: Uncertain significance (2). Last evaluated 2023-11-23.

Allele frequency attached by ClinVar (database versions not stated): TOPMed 0.00002; gnomAD 0.00003.
gnomAD v4.1: 43 of 1,614,078 alleles (0.0027%); highest among the groups gnomAD compares: Non-Finnish European, 0.0036%; no homozygotes.

Submissions (2):

Blueprint Genetics
Classification: Uncertain significance. Last evaluated: 2023-11-23. Review status: criteria provided, single submitter. Criteria: ACMG Guidelines, 2015. Collection method: clinical testing. Allele origin: germline.

Labcorp Genetics (formerly Invitae), Labcorp
Classification: Uncertain significance. Last evaluated: 2023-08-24. Review status: criteria provided, single submitter. Criteria: Invitae Variant Classification Sherloc (09022015). Collection method: clinical testing. Allele origin: germline.
Comment: This sequence change replaces asparagine, which is neutral and polar, with histidine, which is basic and polar, at codon 50 of the KCNV2 protein (p.Asn50His). This variant is present in population databases (rs757537568, gnomAD 0.007%). This variant has not been reported in the literature in individuals affected with KCNV2-related conditions. ClinVar contains an entry for this variant (Variation ID: 441136). Advanced modeling of protein sequence and biophysical properties (such as structural, functional, and spatial information, amino acid conservation, physicochemical variation, residue mobility, and thermodynamic stability) performed at Invitae indicates that this missense variant is not expected to disrupt KCNV2 protein function. In summary, the available evidence is currently insufficient to determine the role of this variant in disease. Therefore, it has been classified as a Variant of Uncertain Significance.